The following is an entry in ClinVar:

NM_000377.3(WAS):c.257G>C (p.Arg86Pro)

Gene: WAS (WASP actin nucleation promoting factor; plus strand). Cytogenetic location: Xp11.23.
Variant type: single nucleotide variant.
Coding change: c.257G>C on transcript NM_000377.3 (MANE Select); coding-DNA position 257, G replaced by C.
Protein change: p.Arg86Pro; replaces arginine 86 with proline.
Molecular consequence: missense variant.
Genome position (GRCh38, 1-based): chrX:48,684,407, G>C. VCF-style: chrX-48684407-G-C. GRCh37 (hg19) VCF-style: chrX-48542796-G-C.
Other names: short protein forms R86P.
Identifiers: ClinVar variation 633021 (VCV000633021.1), dbSNP rs132630268, ClinGen allele CA412866623.
Genomic context (GRCh38, chrX:48,684,407, plus strand): 5'-AGGAGCATTGTGGGGCTGTGTGCTTCGTGAAGGATAACCCCCAGAAGTCCTACTTCATCC[G>C]CCTTTACGGCCTTCAGGTGACCCCCCCACCCCCGACTGGACTTGCAAGCCAGTTCTCAAC-3'
Protein context (NP_000368.1, residues 76-96): KDNPQKSYFI[Arg86Pro]LYGLQAGRLL

ClinVar aggregate classification (germline): Likely pathogenic (1 of 4 stars; one submission).

Conditions:
Wiskott-Aldrich syndrome (WAS). Also called: WISKOTT-ALDRICH SYNDROME 1; Wiskott-aldrich syndrome, somatic; ALDRICH SYNDROME; IMMUNODEFICIENCY 2. Identifiers: Orphanet 906, MedGen C0043194, MONDO:0010518, OMIM 301000.

Submission:

Women's Health and Genetics/Laboratory Corporation of America, LabCorp
Classification: Likely pathogenic for Wiskott-Aldrich syndrome. Last evaluated: 2017-09-13. Review status: criteria provided, single submitter. Criteria: LabCorp Variant Classification Summary - May 2015. Collection method: clinical testing. Allele origin: germline.
Comment: Variant summary: The WAS c.257G>C (p.Arg86Pro) variant involves the alteration of a conserved nucleotide, resulting in a missense change that lies within the WH1/EVH1 domain (InterPro). 4/4 in silico tools predict a damaging outcome for this variant. This variant is absent in 72521 control chromosomes (ExAC). The variant has been reported in at least one Wiskott-Aldrich syndrome patient with a severe phenotype (Schindelhauer_1996). In addition, codon 86 is a mutational hotspot where 5 overlapping variants have been reported in patients (R86H, R86C, R86G, R86L, and R86S); all reported as "pathogenic" in ClinVar. Additionally, a functional study showed that the overlapping R86H variant impairs the interaction between WAS protein and an interacting protein, WIP (Stewart_1999). Taken together, by applying ACMG rules, this variant is classified as Likely Pathogenic, until additional information specific to the R86P variant are available.

Literature cited by the submitters: PubMed 12437929; PubMed 17390083; PubMed 8682510; PubMed 10202051; PubMed 14612666.